The following is an entry in ClinVar:

NM_001042492.3(NF1):c.1756A>C (p.Thr586Pro)

Gene: NF1 (neurofibromin 1; plus strand). Cytogenetic location: 17q11.2.
Variant type: single nucleotide variant.
Coding change: c.1756A>C on transcript NM_001042492.3 (MANE Select); coding-DNA position 1756, A replaced by C.
Protein change: p.Thr586Pro; replaces threonine 586 with proline.
Molecular consequence: missense variant.
Genome position (GRCh38, 1-based): chr17:31,223,478, A>C. VCF-style: chr17-31223478-A-C. GRCh37 (hg19) VCF-style: chr17-29550496-A-C.
Other names: c.1756A>C, p.Thr586Pro (NM_000267.4); short protein forms T586P.
Identifiers: ClinVar variation 231583 (VCV000231583.13), dbSNP rs876659242, ClinGen allele CA10580233.

ClinVar aggregate classification (germline): Conflicting classifications of pathogenicity. Review status: criteria provided, conflicting classifications (1 of 4 stars). 4 submissions from 3 submitters: Uncertain significance (3); Benign (1). Last evaluated 2025-08-11.

Conditions:
Cardiovascular phenotype. Identifiers: MedGen CN230736.
Hereditary cancer-predisposing syndrome. Also called: Hereditary Cancer Syndrome; Neoplastic Syndromes, Hereditary; Tumor predisposition; Hereditary neoplastic syndrome. Identifiers: Orphanet 140162, MedGen C0027672, MeSH D009386, MONDO:0015356.
Neurofibromatosis, type 1 (NF1). Also called: Neurofibromatosis, type I; VON RECKLINGHAUSEN DISEASE; NEUROFIBROMATOSIS, TYPE I, SOMATIC; Peripheral type neurofibromatosis. Identifiers: Orphanet 636, MedGen C0027831, MONDO:0018975, OMIM 162200. Disease mechanism: loss of function.

Allele frequency attached by ClinVar (database versions not stated): TOPMed below 0.00001; gnomAD 0.00001.
gnomAD v4.1: 2 of 1,612,946 alleles (0.00012%); highest among the groups gnomAD compares: Non-Finnish European, 0.00017%; no homozygotes.

Submissions (4):

Labcorp Genetics (formerly Invitae), Labcorp
Classification: Benign for Neurofibromatosis, type 1. Last evaluated: 2025-08-11. Review status: criteria provided, single submitter. Criteria: Invitae Variant Classification Sherloc (09022015). Collection method: clinical testing. Allele origin: germline.

Ambry Genetics
Classification: Uncertain significance for Cardiovascular phenotype; Hereditary cancer-predisposing syndrome. Last evaluated: 2022-09-29. Review status: criteria provided, single submitter. Criteria: Ambry Variant Classification Scheme 2023. Collection method: clinical testing. Allele origin: germline.

Genome-Nilou Lab
Classification: Uncertain significance for Neurofibromatosis, type 1. Last evaluated: 2022-03-15. Review status: criteria provided, single submitter. Criteria: ACMG Guidelines, 2015. Collection method: clinical testing. Allele origin: germline. Affected: no.

Ambry Genetics
Classification: Uncertain significance for Hereditary cancer-predisposing syndrome. Last evaluated: 2015-04-28. Review status: criteria provided, single submitter. Criteria: Ambry Autosomal Dominant and X-Linked criteria (10/2015). Collection method: clinical testing. Allele origin: germline. Observed: 1 variant allele.
Comment: The p.T586P variant (also known as c.1756A>C), located in coding exon 16 of the NF1 gene, results from an A to C substitution at nucleotide position 1756. The threonine at codon 586 is replaced by proline, an amino acid with highly similar properties. This variant was not reported in population based cohorts in the following databases: Database of Single Nucleotide Polymorphisms (dbSNP), NHLBI Exome Sequencing Project (ESP), and 1000 Genomes Project. In the ESP, this variant was not observed in 6498 samples (12996 alleles) with coverage at this position. To date, this alteration has been detected with an allele frequency of approximately 0.002% (greater than 55000alleles tested) in our clinical cohort.This amino acid position is well conserved in available vertebrate species. In addition, this alteration is predicted to be deleterious by in silico analysis.Since supporting evidence is limited at this time, the clinical significance of p.T586Premains unclear.